The following is an entry in ClinVar:

ClinVar aggregate classification (germline): Likely benign. Review status: criteria provided, multiple submitters, no conflicts (2 of 4 stars). 2 submissions from 2 submitters: Likely benign (2). Last evaluated 2026-03-01.

Conditions:
Inborn genetic diseases. Identifiers: MedGen C0950123, MeSH D030342.

Allele frequency attached by ClinVar (database versions not stated): gnomAD exomes 0.00003; ExAC 0.00008; 1000 Genomes Project 30x 0.00031; gnomAD 0.00036; ESP Exome Variant Server 0.00038; TOPMed 0.00038; 1000 Genomes Project 0.00040.
gnomAD v4.1: 100 of 1,614,014 alleles (0.0062%); highest among the groups gnomAD compares: African/African-American, 0.099%; no homozygotes.

Submissions (2):

CeGaT Center for Human Genetics Tuebingen
Classification: Likely benign. Last evaluated: 2026-03-01. Review status: criteria provided, single submitter. Criteria: CeGaT Center For Human Genetics Tuebingen Variant Classification Criteria Version 2. Collection method: clinical testing. Allele origin: germline. Affected: yes. Observed: 1 variant allele.
Comment: SPTBN1: BP4, BS1

Ambry Genetics
Classification: Likely benign for Inborn genetic diseases. Last evaluated: 2022-12-19. Review status: criteria provided, single submitter. Criteria: Ambry Variant Classification Scheme 2023. Collection method: clinical testing. Allele origin: germline.

NM_003128.3(SPTBN1):c.2135C>T (p.Ser712Leu)

Gene: SPTBN1 (spectrin beta, non-erythrocytic 1; plus strand). Cytogenetic location: 2p16.2.
Variant type: single nucleotide variant.
Coding change: c.2135C>T on transcript NM_003128.3 (MANE Select); coding-DNA position 2135, C replaced by T.
Protein change: p.Ser712Leu; replaces serine 712 with leucine.
Molecular consequence: missense variant.
Genome position (GRCh38, 1-based): chr2:54,629,269, C>T. VCF-style: chr2-54629269-C-T. GRCh37 (hg19) VCF-style: chr2-54856406-C-T.
Other names: c.2096C>T, p.Ser699Leu (NM_178313.3); short protein forms S699L, S712L.
Identifiers: ClinVar variation 2400362 (VCV002400362.6), dbSNP rs149728664, ClinGen allele CA1660561.